The following is an entry in ClinVar:

NM_025114.4(CEP290):c.3574-1G>A

Gene: CEP290 (centrosomal protein 290; minus strand). Cytogenetic location: 12q21.32.
Variant type: single nucleotide variant.
Coding change: c.3574-1G>A on transcript NM_025114.4 (MANE Select); the canonical splice acceptor site of the intron before coding-DNA position 3574, G replaced by A.
Molecular consequence: splice acceptor variant.
Genome position (GRCh38, 1-based): chr12:88,089,488, C>T on the plus strand (G>A on the coding strand, the complement: CEP290 is on the minus strand). VCF-style: chr12-88089488-C-T. GRCh37 (hg19) VCF-style: chr12-88483265-C-T.
Identifiers: ClinVar variation 2120783 (VCV002120783.5), dbSNP rs2500121878, ClinGen allele CA386001420.

ClinVar aggregate classification (germline): Likely pathogenic. Review status: criteria provided, multiple submitters, no conflicts (2 of 4 stars). 2 submissions from 2 submitters: Likely pathogenic (2). Last evaluated 2024-03-27.

Conditions:
Joubert syndrome. Also called: CEREBELLOPARENCHYMAL DISORDER IV; JOUBERT-BOLTSHAUSER SYNDROME; Familial aplasia of the vermis. Identifiers: Orphanet 475, MedGen C5979921, MONDO:0018772.
Nephronophthisis. Also called: Juvenile Nephronophthisis. Identifiers: Orphanet 655, MedGen C0687120, MONDO:0019005, HP:0000090.
Meckel-Gruber syndrome. Also called: DYSENCEPHALIA SPLANCHNOCYSTICA; GRUBER SYNDROME; Dysencephalia splachnocystica. Identifiers: Orphanet 564, MedGen C0265215, MONDO:0018921.
Bardet-Biedl syndrome 14 (BBS14). Identifiers: Orphanet 110, MedGen C2673874, MONDO:0014442, OMIM 615991.

Submissions (2):

Baylor Genetics
Classification: Likely pathogenic for Bardet-Biedl syndrome 14. Last evaluated: 2024-03-27. Review status: criteria provided, single submitter. Criteria: ACMG Guidelines, 2015. Collection method: clinical testing. Allele origin: unknown.

Labcorp Genetics (formerly Invitae), Labcorp
Classification: Likely pathogenic for Joubert syndrome; Meckel-Gruber syndrome; Nephronophthisis. Last evaluated: 2022-04-01. Review status: criteria provided, single submitter. Criteria: Invitae Variant Classification Sherloc (09022015). Collection method: clinical testing. Allele origin: germline.
Comment: This sequence change affects an acceptor splice site in intron 30 of the CEP290 gene. It is expected to disrupt RNA splicing. Variants that disrupt the donor or acceptor splice site typically lead to a loss of protein function (PMID: 16199547), and loss-of-function variants in CEP290 are known to be pathogenic (PMID: 16909394, 17345604, 20690115). This variant is not present in population databases (gnomAD no frequency). This variant has not been reported in the literature in individuals affected with CEP290-related conditions. Algorithms developed to predict the effect of sequence changes on RNA splicing suggest that this variant may disrupt the consensus splice site. In summary, the currently available evidence indicates that the variant is pathogenic, but additional data are needed to prove that conclusively. Therefore, this variant has been classified as Likely Pathogenic.

Literature cited by the submitters: PubMed 16199547 (cited by Labcorp Genetics (formerly Invitae), Labcorp); PubMed 16909394 (cited by Labcorp Genetics (formerly Invitae), Labcorp); PubMed 17345604 (cited by Labcorp Genetics (formerly Invitae), Labcorp); PubMed 20690115 (cited by Labcorp Genetics (formerly Invitae), Labcorp).